The following is an entry in ClinVar:

ClinVar aggregate classification (germline): Likely benign. Review status: criteria provided, multiple submitters, no conflicts (2 of 4 stars). 5 submissions from 5 submitters: Likely benign (5). Last evaluated 2026-01-26.

Conditions:
Epilepsy, progressive myoclonic, 1B. Also called: PME. Identifiers: Orphanet 308, MedGen C2676254, MONDO:0012904, OMIM 612437.

Allele frequency attached by ClinVar (database versions not stated): 1000 Genomes Project below 0.00001; gnomAD exomes 0.00003 and 0.00006; ExAC 0.00007; ESP Exome Variant Server 0.00015; gnomAD 0.00022; TOPMed 0.00029.
gnomAD v4.1: 85 of 1,613,932 alleles (0.0053%); highest among the groups gnomAD compares: African/African-American, 0.096%; no homozygotes.

Submissions (5):

Labcorp Genetics (formerly Invitae), Labcorp
Classification: Likely benign for Epilepsy, progressive myoclonic, 1B. Last evaluated: 2026-01-26. Review status: criteria provided, single submitter. Criteria: Invitae Variant Classification Sherloc (09022015). Collection method: clinical testing. Allele origin: germline.

Blueprint Genetics
Classification: Likely benign. Last evaluated: 2023-04-26. Review status: criteria provided, single submitter. Criteria: ACMG Guidelines, 2015. Collection method: clinical testing. Allele origin: germline.

Athena Diagnostics
Classification: Likely benign. Last evaluated: 2019-11-08. Review status: criteria provided, single submitter. Criteria: Athena Diagnostics Criteria. Collection method: clinical testing. Allele origin: unknown.

Ambry Genetics
Classification: Likely benign. Last evaluated: 2018-12-02. Review status: criteria provided, single submitter. Criteria: Ambry Variant Classification Scheme 2023. Collection method: clinical testing. Allele origin: germline.

GeneDx
Classification: Likely benign. Last evaluated: 2018-05-15. Review status: criteria provided, single submitter. Criteria: GeneDx Variant Classification (06012015). Collection method: clinical testing. Allele origin: germline. Affected: yes.
Comment: This variant is considered likely benign or benign based on one or more of the following criteria: it is a conservative change, it occurs at a poorly conserved position in the protein, it is predicted to be benign by multiple in silico algorithms, and/or has population frequency not consistent with disease.

NM_153026.3(PRICKLE1):c.2439G>A (p.Arg813=)

Gene: PRICKLE1 (prickle planar cell polarity protein 1; minus strand). Cytogenetic location: 12q12.
Variant type: single nucleotide variant.
Coding change: c.2439G>A on transcript NM_153026.3 (MANE Select); coding-DNA position 2439, G replaced by A.
Protein change: p.Arg813=; no amino-acid change (arginine 813 retained).
Molecular consequence: synonymous variant.
Genome position (GRCh38, 1-based): chr12:42,459,866, C>T on the plus strand (G>A on the coding strand, the complement: PRICKLE1 is on the minus strand). VCF-style: chr12-42459866-C-T. GRCh37 (hg19) VCF-style: chr12-42853668-C-T.
Other names: c.2439G>A, p.Arg813= (NM_001144881.2, NM_001144882.2, NM_001144883.2).
Identifiers: ClinVar variation 416260 (VCV000416260.15), dbSNP rs138524511, ClinGen allele CA6519597.